The following is an entry in ClinVar:

NM_006005.3(WFS1):c.2237A>G (p.Asn746Ser)

Gene: WFS1 (wolframin ER transmembrane glycoprotein; plus strand). Cytogenetic location: 4p16.1.
Variant type: single nucleotide variant.
Coding change: c.2237A>G on transcript NM_006005.3 (MANE Select); coding-DNA position 2237, A replaced by G.
Protein change: p.Asn746Ser; replaces asparagine 746 with serine.
Molecular consequence: missense variant.
Genome position (GRCh38, 1-based): chr4:6,302,032, A>G. VCF-style: chr4-6302032-A-G. GRCh37 (hg19) VCF-style: chr4-6303759-A-G.
Other names: c.2237A>G, p.Asn746Ser (NM_001145853.1); short protein forms N746S.
Identifiers: ClinVar variation 1394500 (VCV001394500.6), dbSNP rs2109127276, ClinGen allele CA356178196.
Genomic context (GRCh38, chr4:6,302,032, plus strand): 5'-TCATCGGCGACTGGATGCGCTGCCTCTACGGCGAGGCCTACCCTGCCTGCAGCCCTGGCA[A>G]CACCTCCACGGCCGAGGAGGAGCTCTGTCGCCTTAAGCTGCTGGCCAAGCACCCCTGCCA-3'
Protein context (NP_005996.2, residues 736-756): GEAYPACSPG[Asn746Ser]TSTAEEELCR

ClinVar aggregate classification (germline): Uncertain significance (1 of 4 stars; one submission).

Allele frequency attached by ClinVar (database versions not stated): gnomAD exomes below 0.00001.
gnomAD v4.1: 4 of 1,612,788 alleles (0.00025%); highest among the groups gnomAD compares: Non-Finnish European, 0.00025%; no homozygotes.

Submission:

Labcorp Genetics (formerly Invitae), Labcorp
Classification: Uncertain significance. Last evaluated: 2022-08-16. Review status: criteria provided, single submitter. Criteria: Invitae Variant Classification Sherloc (09022015). Collection method: clinical testing. Allele origin: germline.
Comment: In summary, the available evidence is currently insufficient to determine the role of this variant in disease. Therefore, it has been classified as a Variant of Uncertain Significance. Algorithms developed to predict the effect of sequence changes on RNA splicing suggest that this variant may create or strengthen a splice site. Advanced modeling of protein sequence and biophysical properties (such as structural, functional, and spatial information, amino acid conservation, physicochemical variation, residue mobility, and thermodynamic stability) performed at Invitae indicates that this missense variant is not expected to disrupt WFS1 protein function. ClinVar contains an entry for this variant (Variation ID: 1394500). This variant has not been reported in the literature in individuals affected with WFS1-related conditions. This variant is not present in population databases (gnomAD no frequency). This sequence change replaces asparagine, which is neutral and polar, with serine, which is neutral and polar, at codon 746 of the WFS1 protein (p.Asn746Ser).